The following is an entry in ClinVar:

ClinVar aggregate classification (germline): Uncertain significance (1 of 4 stars; one submission).

Conditions:
Hereditary insensitivity to pain with anhidrosis (CIPA). Also called: HSAN Type IV; NTRK1 Congenital Insensitivity to Pain with Anhidrosis; hereditary sensory and autonomic neuropathy type 4; FAMILIAL DYSAUTONOMIA, TYPE II; NEUROPATHY, CONGENITAL SENSORY, WITH ANHIDROSIS; INSENSITIVITY TO PAIN, CONGENITAL, WITH ANHIDROSIS. Identifiers: Orphanet 642, MedGen C0020074, MONDO:0009746, OMIM 256800.

gnomAD v4.1: 2 of 1,568,562 alleles (0.00013%); highest among the groups gnomAD compares: East Asian, 0.0023%; no homozygotes.

Submission:

Labcorp Genetics (formerly Invitae), Labcorp
Classification: Uncertain significance for Hereditary insensitivity to pain with anhidrosis. Last evaluated: 2019-03-13. Review status: criteria provided, single submitter. Criteria: Invitae Variant Classification Sherloc (09022015). Collection method: clinical testing. Allele origin: germline.
Comment: In summary, the available evidence is currently insufficient to determine the role of this variant in disease. Therefore, it has been classified as a Variant of Uncertain Significance. Algorithms developed to predict the effect of missense changes on protein structure and function (SIFT, PolyPhen-2, Align-GVGD) all suggest that this variant is likely to be tolerated, but these predictions have not been confirmed by published functional studies and their clinical significance is uncertain. This variant has not been reported in the literature in individuals with NTRK1-related conditions. The frequency data for this variant in the population databases is considered unreliable, as metrics indicate insufficient coverage at this position in the ExAC database. This sequence change replaces glycine with aspartic acid at codon 44 of the NTRK1 protein (p.Gly44Asp). The glycine residue is moderately conserved and there is a moderate physicochemical difference between glycine and aspartic acid.

NM_002529.4(NTRK1):c.131G>A (p.Gly44Asp)

Gene: NTRK1 (neurotrophic receptor tyrosine kinase 1; plus strand). Cytogenetic location: 1q23.1.
Variant type: single nucleotide variant.
Coding change: c.131G>A on transcript NM_002529.4 (MANE Select); coding-DNA position 131, G replaced by A.
Protein change: p.Gly44Asp; replaces glycine 44 with aspartic acid.
Molecular consequence: missense variant. On other transcripts: intron variant (1).
Genome position (GRCh38, 1-based): chr1:156,861,065, G>A. VCF-style: chr1-156861065-G-A. GRCh37 (hg19) VCF-style: chr1-156830857-G-A.
Other names: c.131G>A, p.Gly44Asp (NM_001012331.2); c.123-3289G>A (NM_001007792.1); short protein forms G44D.
Identifiers: ClinVar variation 843966 (VCV000843966.9), dbSNP rs1655622492, ClinGen allele CA342929697.
Genomic context (GRCh38, chr1:156,861,065, plus strand): 5'-CTTGGCTGATACTGGCATCTGCGGGCGCCGCACCCTGCCCCGATGCCTGCTGCCCCCACG[G>A]CTCCTCGGGACTGCGATGCACCCGGGATGGGGCCCTGGATAGCCTCCACCACCTGCCCGG-3'
Protein context (NP_002520.2, residues 34-54): APCPDACCPH[Gly44Asp]SSGLRCTRDG